The following is an entry in ClinVar:

NM_000550.3(TYRP1):c.1103del (p.Lys368fs)

Genes: LURAP1L-AS1 (LURAP1L antisense RNA 1; minus strand), TYRP1 (tyrosinase related protein 1; plus strand). Cytogenetic location: 9p23.
Variant type: Deletion.
Coding change: c.1103del on transcript NM_000550.3 (MANE Select); coding-DNA position 1103, one base deleted (A; older notation c.1103delA).
Protein change: p.Lys368fs; shifts the reading frame from lysine 368.
Molecular consequence: frameshift variant.
Genome position (GRCh38, 1-based): chr9:12,704,547, A deleted; the last of 3 consecutive A bases (chr9:12,704,545-12,704,547); deleting any one gives the same sequence. VCF-style (leftmost placement, unchanged base first): chr9-12704544-GA-G. GRCh37 (hg19) VCF-style: chr9-12704544-GA-G.
Other names: c.1103del (NM_000550.2); short protein forms K368fs.
Identifiers: ClinVar variation 17593 (VCV000017593.33), dbSNP rs387906560, ClinGen allele CA127291.
Genomic context (GRCh38, chr9:12,704,544, plus strand): 5'-TTTGCAATAGTTTTACTATTCTCCTCCTTACCATGTGTCTAGGTTACAGTGACCCCACGG[GA>G]AAGTATGACCCTGCTGTTCGAAGTCTTCACAATTTGGCTCATCTATTCCTGAATGGAACA-3'

ClinVar aggregate classification (germline): Pathogenic/Likely pathogenic. Review status: criteria provided, multiple submitters, no conflicts (2 of 4 stars). 13 submissions from 13 submitters: Pathogenic (10); Likely pathogenic (1). 2 of the submissions do not count toward it. Last evaluated 2026-06-17.

Conditions:
Pigmentary skin disorders.
TYRP1-related disorder. Also called: TYRP1-related condition.
Oculocutaneous albinism type 3 (OCA3). Also called: ALBINISM III; Albinism, oculocutaneous, type III; Rufous OCA; Rufous albinism; RUFOUS OCULOCUTANEOUS ALBINISM; XANTHISM. Identifiers: Orphanet 79433, MedGen C0342683, MONDO:0008747, OMIM 203290.
MELANESIAN BLOND HAIR (SHEP11). Also called: Skin/hair/eye pigmentation, variation in, 11; SKIN/HAIR/EYE PIGMENTATION 11, BLUE/NONBLUE EYES. Identifiers: MedGen C2677086, OMIM 612271.
Albinism. Identifiers: MedGen C0001916, MONDO:0043209, HP:0001022.

Submissions (13):

PreventionGenetics, part of Exact Sciences
Classification: Pathogenic for TYRP1-related condition. Last evaluated: 2026-06-17. Review status: criteria provided, single submitter. Criteria: ACMG Guidelines, 2015. Collection method: clinical testing. Allele origin: germline.
Comment: The TYRP1 c.1103delA variant is predicted to result in a frameshift and premature protein termination (p.Lys368Serfs*17). This variant has been reported in multiple individuals with oculocutaneous albinism (Boissy et al. 1996. PubMed ID: 8651291; reported as 368delA, Manga et al. 1997. PubMed ID: 9345097; Table S2, Carss et al. 2016. PubMed ID: 28041643). This variant is present in 0.50% of alleles in individuals of African descent in gnomAD, indicating it is relatively common in this population. Frameshift variants in TYRP1 are an established mechanism of disease. Given the evidence, we interpret this variant as pathogenic.

Genetics Laboratory, Great Ormond Street Hospital NHS Foundation Trust, North Thames Genomic Laboratory Hub
Classification: Pathogenic for Pigmentary skin disorders. Last evaluated: 2026-03-26. Review status: criteria provided, single submitter. Criteria: ACGS Best Practice Guidelines for Variant Classification in Rare Disease 2024 v1.2. Collection method: clinical testing. Allele origin: germline. Affected: yes.
Comment: PVS1_very-strong, PM3_moderate

Labcorp Genetics (formerly Invitae), Labcorp
Classification: Pathogenic. Last evaluated: 2026-01-28. Review status: criteria provided, single submitter. Criteria: Invitae Variant Classification Sherloc (09022015). Collection method: clinical testing. Allele origin: germline.
Comment: This sequence change creates a premature translational stop signal (p.Lys368Serfs*17) in the TYRP1 gene. It is expected to result in an absent or disrupted protein product. Loss-of-function variants in TYRP1 are known to be pathogenic (PMID: 8651291, 9345097). This variant is present in population databases (rs534275065, gnomAD 0.5%), and has an allele count higher than expected for a pathogenic variant. This premature translational stop signal has been observed in individual(s) with oculocutaneous albinism (PMID: 8651291, 9345097). ClinVar contains an entry for this variant (Variation ID: 17593). For these reasons, this variant has been classified as Pathogenic.

Dasa
Classification: Pathogenic. Last evaluated: 2025-03-02. Review status: criteria provided, single submitter. Criteria: DASA Assertion Criteria. Collection method: clinical testing. Allele origin: germline.
Comment: NM_000550.3(TYRP1):c.1103del (p.Lys368Serfs*17) introduces a premature termination codon predicted to result in loss of normal protein function. Loss-of-function is an established mechanism of disease for this gene. This variant has been recurrently observed in affected individuals with related phenotype in a genotype context consistent with recessive disease (PMID: 8651291; PMID: 9345097; PMID: 33808351). The variant is present at low frequency in population datasets. Based on the available data, this variant is classified as pathogenic.

Blueprint Genetics
Classification: Pathogenic for TYRP1-related disorders. Last evaluated: 2024-10-10. Review status: criteria provided, single submitter. Criteria: ACMG Guidelines, 2015. Collection method: clinical testing. Allele origin: germline. Affected: yes. Observed: 5 variant alleles.

Fulgent Genetics
Classification: Pathogenic for Oculocutaneous albinism type 3; MELANESIAN BLOND HAIR. Last evaluated: 2024-03-20. Review status: criteria provided, single submitter. Criteria: ACMG Guidelines, 2015. Collection method: clinical testing. Allele origin: germline.

GeneDx
Classification: Pathogenic. Last evaluated: 2022-10-28. Review status: criteria provided, single submitter. Criteria: GeneDx Variant Classification Process June 2021. Collection method: clinical testing. Allele origin: germline. Affected: yes.
Comment: In vitro studies in cultured fibroblasts from an affected individual homozygous for the c.1103delA variant showed absent TYRP1 mRNA and protein (Boissy et al., 1996); Frameshift variant predicted to result in protein truncation or nonsense mediated decay in a gene for which loss-of-function is a known mechanism of disease; This variant is associated with the following publications: (PMID: 33438000, 21996312, 28041643, 24845642, 31589614, 32581362, 9345097, 8651291)

Greenwood Genetic Center Diagnostic Laboratories, Greenwood Genetic Center
Classification: Likely pathogenic for Oculocutaneous albinism type 3. Last evaluated: 2021-07-13. Review status: criteria provided, single submitter. Criteria: ACMG Guidelines, 2015. Collection method: clinical testing. Allele origin: germline. Affected: yes.
Comment: PVS1, PM3

Revvity Omics, Revvity
Classification: Pathogenic. Last evaluated: 2019-10-31. Review status: criteria provided, single submitter. Criteria: ACMG Guidelines, 2015. Collection method: clinical testing. Allele origin: germline.

Genetic Services Laboratory, University of Chicago
Classification: Pathogenic. Last evaluated: 2018-05-15. Review status: criteria provided, single submitter. Criteria: ACMG Guidelines, 2015. Collection method: clinical testing. Allele origin: germline. Affected: yes.

Eurofins Ntd Llc (ga)
Classification: Pathogenic. Last evaluated: 2016-09-22. Review status: criteria provided, single submitter. Criteria: EGL Classification Definitions 2015. Collection method: clinical testing. Allele origin: germline. Observed: 3 variant alleles, 3 heterozygotes.

NIHR Bioresource Rare Diseases, University of Cambridge
Classification: Pathogenic for Albinism. Last evaluated: 2015-01-01. Review status: no assertion criteria provided. Collection method: research. Allele origin: unknown. Affected: yes. Observed: 1 variant allele. Not counted in ClinVar's aggregate classification.

OMIM
Classification: Pathogenic for ALBINISM, OCULOCUTANEOUS, TYPE III. Last evaluated: 1997-11-01. Review status: no assertion criteria provided. Collection method: literature only. Allele origin: germline. Not counted in ClinVar's aggregate classification.

Literature cited by the submitters: PubMed 8651291 (cited by 4 submitters); PubMed 9345097 (cited by 3 submitters); PubMed 33808351 (cited by Dasa); PubMed 28041643 (cited by NIHR Bioresource Rare Diseases, University of Cambridge).